The following is an entry in ClinVar:

ClinVar aggregate classification (germline): Uncertain significance (1 of 4 stars; one submission).

Submission:

Dasa
Classification: Uncertain significance. Last evaluated: 2026-03-29. Review status: criteria provided, single submitter. Criteria: DASA Assertion Criteria. Collection method: clinical testing. Allele origin: germline.
Comment: NM_021614.4(KCNN2):c.163C>T (p.His55Tyr) is a missense variant that results in the substitution of histidine with tyrosine. This variant is rare in population databases. The currently available literature and clinical evidence are not sufficient to establish a definitive association between this variant and the reported condition. Therefore, this variant is classified as a variant of uncertain significance.

NM_021614.4(KCNN2):c.163C>T (p.His55Tyr)

Gene: KCNN2 (potassium calcium-activated channel subfamily N member 2; plus strand). Cytogenetic location: 5q22.3.
Variant type: single nucleotide variant.
Coding change: c.163C>T on transcript NM_021614.4 (MANE Select); coding-DNA position 163, C replaced by T.
Protein change: p.His55Tyr; replaces histidine 55 with tyrosine.
Molecular consequence: missense variant. On other transcripts: non-coding transcript variant (1).
Genome position (GRCh38, 1-based): chr5:114,362,302, C>T. VCF-style: chr5-114362302-C-T. GRCh37 (hg19) VCF-style: chr5-113697999-C-T.
Other names: c.361C>T, p.His121Tyr (NM_001372233.1); short protein forms H121Y, H55Y.
Identifiers: ClinVar variation 4886725 (VCV004886725.2).
Genomic context (GRCh38, chr5:114,362,302, plus strand): 5'-GACAAGCCGTGCCCGCCCTTCGCGCCCCTCCCGCACCCTCACCACCACCCGCACCTCGCG[C>T]ACCAGCAGCCGGCCAGCGGCGGCAGCAGCCCATGCCTCCGGTGCAACAGCTGCGCCTCCT-3'
Protein context (NP_067627.3, residues 45-65): PHPHHHPHLA[His55Tyr]QQPASGGSSP